The following is an entry in ClinVar:

NM_031229.4(RBCK1):c.209C>T (p.Thr70Ile)

Gene: RBCK1 (RANBP2-type and C3HC4-type zinc finger containing 1; plus strand). Cytogenetic location: 20p13.
Variant type: single nucleotide variant.
Coding change: c.209C>T on transcript NM_031229.4 (MANE Select); coding-DNA position 209, C replaced by T.
Protein change: p.Thr70Ile; replaces threonine 70 with isoleucine.
Molecular consequence: missense variant. On other transcripts: 5 prime UTR variant (2), non-coding transcript variant (1).
Genome position (GRCh38, 1-based): chr20:417,567, C>T. VCF-style: chr20-417567-C-T. GRCh37 (hg19) VCF-style: chr20-398211-C-T.
Other names: c.-141C>T (NM_001323956.2, NM_001323958.2); c.260C>T, p.Thr87Ile (NM_001410770.1); c.83C>T, p.Thr28Ile (NM_006462.6); short protein forms T70I, T87I, T28I.
Identifiers: ClinVar variation 1978218 (VCV001978218.5), dbSNP rs2514486094, ClinGen allele CA407949882.

ClinVar aggregate classification (germline): Uncertain significance (1 of 4 stars; one submission).

Conditions:
Polyglucosan body myopathy type 1 (PGBM1). Also called: Polyglucosan body myopathy 1 with or without immunodeficiency; POLYGLUCOSAN BODY MYOPATHY WITHOUT IMMUNODEFICIENCY. Identifiers: Orphanet 329173, Orphanet 397937, MedGen C4014605, MONDO:0014389, OMIM 615895.

Allele frequency attached by ClinVar (database versions not stated): gnomAD exomes below 0.00001.
gnomAD v4.1: 1 of 1,614,000 alleles (0.000062%); highest among the groups gnomAD compares: Non-Finnish European, 0.000085%; no homozygotes.

Submission:

Labcorp Genetics (formerly Invitae), Labcorp
Classification: Uncertain significance for Polyglucosan body myopathy type 1. Last evaluated: 2022-08-21. Review status: criteria provided, single submitter. Criteria: Invitae Variant Classification Sherloc (09022015). Collection method: clinical testing. Allele origin: germline.
Comment: This variant has not been reported in the literature in individuals affected with RBCK1-related conditions. This variant is not present in population databases (gnomAD no frequency). This sequence change replaces threonine, which is neutral and polar, with isoleucine, which is neutral and non-polar, at codon 70 of the RBCK1 protein (p.Thr70Ile). Algorithms developed to predict the effect of missense changes on protein structure and function are either unavailable or do not agree on the potential impact of this missense change (SIFT: "Not Available"; PolyPhen-2: "Benign"; Align-GVGD: "Not Available"). In summary, the available evidence is currently insufficient to determine the role of this variant in disease. Therefore, it has been classified as a Variant of Uncertain Significance.